The following is an entry in ClinVar:

NM_014000.3(VCL):c.835C>T (p.Gln279Ter)

Gene: VCL (vinculin; plus strand). Cytogenetic location: 10q22.2.
Variant type: single nucleotide variant.
Coding change: c.835C>T on transcript NM_014000.3 (MANE Select); coding-DNA position 835, C replaced by T.
Protein change: p.Gln279Ter; replaces glutamine 279 with a stop codon.
Molecular consequence: nonsense.
Genome position (GRCh38, 1-based): chr10:74,082,505, C>T. VCF-style: chr10-74082505-C-T. GRCh37 (hg19) VCF-style: chr10-75842263-C-T.
Other names: c.835C>T, p.Gln279Ter (NM_003373.4); short protein forms Q279*.
Identifiers: ClinVar variation 2091099 (VCV002091099.4), dbSNP rs2549218301, ClinGen allele CA377269667.

ClinVar aggregate classification (germline): Uncertain significance (1 of 4 stars; one submission).

Conditions:
Dilated cardiomyopathy 1W (CMD1W). Identifiers: Orphanet 154, MedGen C1969639, MONDO:0012667, OMIM 611407.

Submission:

Labcorp Genetics (formerly Invitae), Labcorp
Classification: Uncertain significance for Dilated cardiomyopathy 1W. Last evaluated: 2026-01-15. Review status: criteria provided, single submitter. Criteria: Invitae Variant Classification Sherloc (09022015). Collection method: clinical testing. Allele origin: germline.
Comment: This sequence change creates a premature translational stop signal (p.Gln279*) in the VCL gene. It is expected to result in an absent or disrupted protein product. However, the current clinical and genetic evidence is not sufficient to establish whether loss-of-function variants in VCL cause disease. This variant is not present in population databases (gnomAD no frequency). This variant has not been reported in the literature in individuals affected with VCL-related conditions. ClinVar contains an entry for this variant (Variation ID: 2091099). Algorithms developed to predict the effect of sequence changes on RNA splicing suggest that this variant may disrupt the consensus splice site. In summary, the available evidence is currently insufficient to determine the role of this variant in disease. Therefore, it has been classified as a Variant of Uncertain Significance.